The following is an entry in ClinVar:

NM_001267550.2(TTN):c.56051-1G>A

Genes: TTN (titin; minus strand), TTN-AS1 (TTN antisense RNA 1; plus strand). Cytogenetic location: 2q31.2.
Variant type: single nucleotide variant.
Coding change: c.56051-1G>A on transcript NM_001267550.2 (MANE Select); the canonical splice acceptor site of the intron before coding-DNA position 56051, G replaced by A.
Molecular consequence: splice acceptor variant.
Genome position (GRCh38, 1-based): chr2:178,599,851, C>T on the plus strand (G>A on the coding strand, the complement: TTN is on the minus strand). VCF-style: chr2-178599851-C-T. GRCh37 (hg19) VCF-style: chr2-179464578-C-T.
Other names: c.28856-1G>A (NM_003319.4); c.29432-1G>A (NM_133437.4); c.29231-1G>A (NM_133432.3); c.48347-1G>A (NM_133378.4); c.51128-1G>A (NM_001256850.1).
Identifiers: ClinVar variation 1066962 (VCV001066962.13), dbSNP rs1385817640, ClinGen allele CA349535223.

ClinVar aggregate classification (germline): Likely pathogenic. Review status: criteria provided, multiple submitters, no conflicts (2 of 4 stars). 3 submissions from 3 submitters: Likely pathogenic (3). Last evaluated 2026-09-30.

Conditions:
Dilated cardiomyopathy 1G (CMD1G). Identifiers: Orphanet 154, MedGen C1858763, MONDO:0011400, OMIM 604145.
Autosomal recessive limb-girdle muscular dystrophy type 2J (LGMDR10). Also called: Limb-girdle muscular dystrophy, type 2J; MUSCULAR DYSTROPHY, LIMB-GIRDLE, AUTOSOMAL RECESSIVE 10. Identifiers: Orphanet 140922, MedGen C1837342, MONDO:0012127, OMIM 608807.
Tibial muscular dystrophy (TMD). Also called: Udd Distal Myopathy – Tibial Muscular Dystrophy; UDD MYOPATHY; Tibial muscular dystrophy, tardive. Identifiers: Orphanet 609, MedGen C1838244, MONDO:0010870, OMIM 600334.
Hypertrophic cardiomyopathy 9. Also called: Familial hypertrophic cardiomyopathy 9. Identifiers: MedGen C1861065, MONDO:0013412, OMIM 613765.
Myopathy, myofibrillar, 9, with early respiratory failure (MFM9). Also called: Hereditary myopathy with early respiratory failure; Myopathy, distal, with early respiratory failure, autosomal dominant; EDSTROM MYOPATHY; MYOPATHY, PROXIMAL, WITH EARLY RESPIRATORY MUSCLE INVOLVEMENT. Identifiers: Orphanet 178464, Orphanet 34521, MedGen C1863599, MONDO:0011362, OMIM 603689.
Early-onset myopathy with fatal cardiomyopathy (CMYO5). Also called: Salih Myopathy; CONGENITAL MYOPATHY 5 WITH CARDIOMYOPATHY. Identifiers: Orphanet 289377, MedGen C2673677, MONDO:0012714, OMIM 611705. Disease mechanism: loss of function.

Allele frequency attached by ClinVar (database versions not stated): TOPMed below 0.00001; gnomAD 0.00001.
gnomAD v4.1: 1 of 1,546,782 alleles (0.000065%); highest among the groups gnomAD compares: African/African-American, 0.0014%; no homozygotes.

Submissions (3):

GeneDx
Classification: Likely pathogenic. Last evaluated: 2026-09-30. Review status: criteria provided, single submitter. Criteria: GeneDx Variant Classification Process June 2021. Collection method: clinical testing. Allele origin: germline.
Comment: Canonical splice site variant predicted to result in an in-frame loss of the adjacent exon in a gene for which loss of function is a known mechanism of disease; Located in the A-band, a region of TTN for which truncating variants are significantly associated with autosomal dominant cardiomyopathy and also with autosomal recessive skeletal myopathies (PMID: 22335739, 32778822); Not observed at significant frequency in large population cohorts (gnomAD); Has not been previously published as pathogenic or benign to our knowledge; This variant is associated with the following publications: (PMID: 22335739, 32778822)

Labcorp Genetics (formerly Invitae), Labcorp
Classification: Likely pathogenic for Dilated cardiomyopathy 1G; Autosomal recessive limb-girdle muscular dystrophy type 2J. Last evaluated: 2024-07-21. Review status: criteria provided, single submitter. Criteria: Invitae Variant Classification Sherloc (09022015). Collection method: clinical testing. Allele origin: germline.
Comment: This sequence change affects an acceptor splice site in intron 288 of the TTN gene. It is expected to disrupt RNA splicing and likely results in a truncated or disrupted TTN protein. This variant is not present in population databases (gnomAD no frequency). This variant has not been reported in the literature in individuals affected with TTN-related conditions. ClinVar contains an entry for this variant (Variation ID: 1066962). Algorithms developed to predict the effect of sequence changes on RNA splicing suggest that this variant may disrupt the consensus splice site. This variant is located in the A band of TTN (PMID: 25589632). Truncating variants in this region are significantly overrepresented in patients affected with dilated cardiomyopathy (PMID: 25589632). Truncating variants in this region have also been reported in individuals affected with autosomal recessive centronuclear myopathy (PMID: 23975875). In summary, the currently available evidence indicates that the variant is pathogenic, but additional data are needed to prove that conclusively. Therefore, this variant has been classified as Likely Pathogenic.

Fulgent Genetics
Classification: Likely pathogenic for Tibial muscular dystrophy; Myopathy, myofibrillar, 9, with early respiratory failure; Dilated cardiomyopathy 1G; Autosomal recessive limb-girdle muscular dystrophy type 2J; Early-onset myopathy with fatal cardiomyopathy; Hypertrophic cardiomyopathy 9. Last evaluated: 2021-12-07. Review status: criteria provided, single submitter. Criteria: ACMG Guidelines, 2015. Collection method: clinical testing. Allele origin: unknown.

Literature cited by the submitters: PubMed 25589632 (cited by Labcorp Genetics (formerly Invitae), Labcorp); PubMed 23975875 (cited by Labcorp Genetics (formerly Invitae), Labcorp).